The following is an entry in ClinVar:

NM_001142800.2(EYS):c.4955C>G (p.Ser1652Ter)

Gene: EYS (EGF-like photoreceptor maintenance factor; minus strand). Cytogenetic location: 6q12.
Variant type: single nucleotide variant.
Coding change: c.4955C>G on transcript NM_001142800.2 (MANE Select); coding-DNA position 4955, C replaced by G.
Protein change: p.Ser1652Ter; replaces serine 1652 with a stop codon.
Molecular consequence: nonsense.
Genome position (GRCh38, 1-based): chr6:64,590,912, G>C on the plus strand (C>G on the coding strand, the complement: EYS is on the minus strand). VCF-style: chr6-64590912-G-C. GRCh37 (hg19) VCF-style: chr6-65300805-G-C.
Other names: c.4955C>G, p.Ser1652Ter (NM_001292009.2); short protein forms S1652*.
Identifiers: ClinVar variation 867110 (VCV000867110.13), dbSNP rs909730457, ClinGen allele CA140340922.

ClinVar aggregate classification (germline): Pathogenic/Likely pathogenic. Review status: criteria provided, multiple submitters, no conflicts (2 of 4 stars). 5 submissions from 5 submitters: Pathogenic (4); Likely pathogenic (1). Last evaluated 2024-05-14.

Conditions:
Retinitis pigmentosa 25 (RP25). Identifiers: Orphanet 791, MedGen C1864446, MONDO:0011272, OMIM 602772.
EYS-related disorder. Also called: EYS-related condition.

Allele frequency attached by ClinVar (database versions not stated): gnomAD exomes 0.00001 and below 0.00001; gnomAD 0.00001; TOPMed 0.00002.
gnomAD v4.1: 4 of 1,550,142 alleles (0.00026%); highest among the groups gnomAD compares: Non-Finnish European, 0.00026%; no homozygotes.

Submissions (5):

Myriad Genetics, Inc.
Classification: Pathogenic for Retinitis pigmentosa 25. Last evaluated: 2024-05-14. Review status: criteria provided, single submitter. Criteria: Myriad Autosomal Dominant, Autosomal Recessive and X-Linked Classification Criteria (2023). Collection method: clinical testing. Allele origin: unknown.
Comment: NM_001142800.1(EYS):c.4955C>G(S1652*) is expected to be pathogenic in the context of retinitis pigmentosa, EYS-related. This variant is predicted to lead to an abnormal or absent protein product due to the creation of a premature termination codon in EYS, a gene where loss-of-function variants are known to be pathogenic. Please note: this variant was assessed in the context of healthy population screening.

Baylor Genetics
Classification: Pathogenic for Retinitis pigmentosa 25. Last evaluated: 2024-03-18. Review status: criteria provided, single submitter. Criteria: ACMG Guidelines, 2015. Collection method: clinical testing. Allele origin: unknown.

Fulgent Genetics
Classification: Likely pathogenic for Retinitis pigmentosa 25. Last evaluated: 2024-03-12. Review status: criteria provided, single submitter. Criteria: ACMG Guidelines, 2015. Collection method: clinical testing. Allele origin: germline.

Blueprint Genetics
Classification: Pathogenic for EYS-related disorders. Last evaluated: 2024-01-15. Review status: criteria provided, single submitter. Criteria: ACMG Guidelines, 2015. Collection method: clinical testing. Allele origin: germline. Affected: yes. Observed: 5 variant alleles.

Labcorp Genetics (formerly Invitae), Labcorp
Classification: Pathogenic. Last evaluated: 2023-10-14. Review status: criteria provided, single submitter. Criteria: Invitae Variant Classification Sherloc (09022015). Collection method: clinical testing. Allele origin: germline.
Comment: This sequence change creates a premature translational stop signal (p.Ser1652*) in the EYS gene. It is expected to result in an absent or disrupted protein product. Loss-of-function variants in EYS are known to be pathogenic (PMID: 18836446, 20333770). This variant is present in population databases (no rsID available, gnomAD 0.002%). This premature translational stop signal has been observed in individual(s) with EYS-related conditions (PMID: 28559085, 29159838). ClinVar contains an entry for this variant (Variation ID: 867110). For these reasons, this variant has been classified as Pathogenic.

Literature cited by the submitters: PubMed 18836446 (cited by Labcorp Genetics (formerly Invitae), Labcorp); PubMed 20333770 (cited by Labcorp Genetics (formerly Invitae), Labcorp); PubMed 28559085 (cited by Labcorp Genetics (formerly Invitae), Labcorp); PubMed 29159838 (cited by Labcorp Genetics (formerly Invitae), Labcorp).